The following is an entry in ClinVar:

NM_007215.4(POLG2):c.752G>A (p.Trp251Ter)

Genes: MILR1 (mast cell immunoglobulin like receptor 1; plus strand), POLG2 (DNA polymerase gamma 2, accessory subunit; minus strand). Cytogenetic location: 17q23.3.
Variant type: single nucleotide variant.
Coding change: c.752G>A on transcript NM_007215.4 (MANE Select); coding-DNA position 752, G replaced by A.
Protein change: p.Trp251Ter; replaces tryptophan 251 with a stop codon.
Molecular consequence: nonsense.
Genome position (GRCh38, 1-based): chr17:64,492,710, C>T on the plus strand (G>A on the coding strand, the complement: POLG2 is on the minus strand). VCF-style: chr17-64492710-C-T. GRCh37 (hg19) VCF-style: chr17-62488827-C-T.
Other names: short protein forms W251*.
Identifiers: ClinVar variation 2779035 (VCV002779035.3), dbSNP rs1555668728, ClinGen allele CA400639004.

ClinVar aggregate classification (germline): Pathogenic (1 of 4 stars; one submission).

Allele frequency attached by ClinVar (database versions not stated): gnomAD exomes below 0.00001.
gnomAD v4.1: 2 of 1,612,968 alleles (0.00012%); highest among the groups gnomAD compares: Non-Finnish European, 0.00017%; no homozygotes.

Submission:

Labcorp Genetics (formerly Invitae), Labcorp
Classification: Pathogenic. Last evaluated: 2023-08-08. Review status: criteria provided, single submitter. Criteria: Invitae Variant Classification Sherloc (09022015). Collection method: clinical testing. Allele origin: germline.
Comment: For these reasons, this variant has been classified as Pathogenic. This variant has not been reported in the literature in individuals affected with POLG2-related conditions. This variant is present in population databases (no rsID available, gnomAD 0.002%). This sequence change creates a premature translational stop signal (p.Trp251*) in the POLG2 gene. It is expected to result in an absent or disrupted protein product. Loss-of-function variants in POLG2 are known to be pathogenic (PMID: 28078310, 29625556).

Literature cited by the submitters: PubMed 28078310; PubMed 29625556.